The following is an entry in ClinVar:

ClinVar aggregate classification (germline): Conflicting classifications of pathogenicity. Review status: criteria provided, conflicting classifications (1 of 4 stars). 8 submissions from 8 submitters: Uncertain significance (5); Likely benign (3). Last evaluated 2026-02-04.

Conditions:
Dyskeratosis congenita. Identifiers: Orphanet 1775, MedGen C0265965, MONDO:0015780.
Cerebroretinal microangiopathy with calcifications and cysts 1 (CRMCC1). Identifiers: Orphanet 313838, MedGen C4552029, MONDO:0024564, OMIM 612199.

Allele frequency attached by ClinVar (database versions not stated): ESP Exome Variant Server 0.00008; gnomAD exomes 0.00010 and 0.00024; ExAC 0.00013; 1000 Genomes Project 30x 0.00016; 1000 Genomes Project 0.00020; TOPMed 0.00020.
gnomAD v4.1: 176 of 1,613,910 alleles (0.011%); highest among the groups gnomAD compares: Admixed American, 0.023%; no homozygotes.

Submissions (8):

Labcorp Genetics (formerly Invitae), Labcorp
Classification: Likely benign for Dyskeratosis congenita. Last evaluated: 2026-02-04. Review status: criteria provided, single submitter. Criteria: Invitae Variant Classification Sherloc (09022015). Collection method: clinical testing. Allele origin: germline.

Mayo Clinic Laboratories, Mayo Clinic
Classification: Likely benign. Last evaluated: 2025-06-24. Review status: criteria provided, single submitter. Criteria: ACMG Guidelines, 2015. Collection method: clinical testing. Allele origin: germline. Observed: 1 variant allele.
Comment: BS1, BP4

GeneDx
Classification: Uncertain significance. Last evaluated: 2024-09-26. Review status: criteria provided, single submitter. Criteria: GeneDx Variant Classification Process June 2021. Collection method: clinical testing. Allele origin: germline. Affected: yes.
Comment: In silico analysis supports that this missense variant does not alter protein structure/function; Has not been previously published as pathogenic or benign to our knowledge; This variant is associated with the following publications: (PMID: Kinnersley2022[Preprint])

Blueprint Genetics
Classification: Likely benign. Last evaluated: 2024-03-13. Review status: criteria provided, single submitter. Criteria: ACMG Guidelines, 2015. Collection method: clinical testing. Allele origin: germline.

Sema4
Classification: Uncertain significance for Dyskeratosis congenita. Last evaluated: 2021-09-09. Review status: criteria provided, single submitter. Criteria: Sema4 Curation Guidelines. Collection method: curation. Allele origin: germline.
Comment: The CTC1 c.862G>A (p.V288M) variant has not been reported in the literature to our knowledge. This variant observed in 45/10348 chromosomes in the Ashkenazi Jewish population according to the Genome Aggregation Database (PMID: 32461654). This variant has been reported in ClinVar (Variation ID 459606). Functional studies have not been performed, and in silico predictions of the variant's effect on protein function are inconclusive. The overall evidence is insufficient to meet ACMG/AMP criteria for classifying it as benign or pathogenic. In summary, the clinical significance of this variant is currently uncertain.

Genome-Nilou Lab
Classification: Uncertain significance for Cerebroretinal microangiopathy with calcifications and cysts 1. Last evaluated: 2021-07-15. Review status: criteria provided, single submitter. Criteria: ACMG Guidelines, 2015. Collection method: clinical testing. Allele origin: germline. Affected: no.

Fulgent Genetics
Classification: Uncertain significance for Cerebroretinal microangiopathy with calcifications and cysts 1. Last evaluated: 2018-10-31. Review status: criteria provided, single submitter. Criteria: ACMG Guidelines, 2015. Collection method: clinical testing. Allele origin: unknown.

Illumina Laboratory Services, Illumina
Classification: Uncertain significance for Dyskeratosis congenita. Last evaluated: 2018-01-13. Review status: criteria provided, single submitter. Criteria: ICSL Variant Classification Criteria 13 December 2019. Collection method: clinical testing. Allele origin: germline.

NM_025099.6(CTC1):c.862G>A (p.Val288Met)

Gene: CTC1 (CST telomere replication complex component 1; minus strand). Cytogenetic location: 17p13.1.
Variant type: single nucleotide variant.
Coding change: c.862G>A on transcript NM_025099.6 (MANE Select); coding-DNA position 862, G replaced by A.
Protein change: p.Val288Met; replaces valine 288 with methionine.
Molecular consequence: missense variant. On other transcripts: non-coding transcript variant (1).
Genome position (GRCh38, 1-based): chr17:8,236,273, C>T on the plus strand (G>A on the coding strand, the complement: CTC1 is on the minus strand). VCF-style: chr17-8236273-C-T. GRCh37 (hg19) VCF-style: chr17-8139591-C-T.
Other names: p.Val288Met; short protein forms V288M.
Identifiers: ClinVar variation 459606 (VCV000459606.24), dbSNP rs201553464, ClinGen allele CA8372533.